The following is an entry in ClinVar:

ClinVar aggregate classification (germline): Uncertain significance (1 of 4 stars; one submission).

gnomAD v4.1: 1 of 1,614,086 alleles (0.000062%); highest among the groups gnomAD compares: Non-Finnish European, 0.000085%; no homozygotes.

Submission:

GeneDx
Classification: Uncertain significance. Last evaluated: 2024-03-23. Review status: criteria provided, single submitter. Criteria: GeneDx Variant Classification Process June 2021. Collection method: clinical testing. Allele origin: germline. Affected: yes.
Comment: Not observed at significant frequency in large population cohorts (gnomAD); In silico analysis supports that this missense variant has a deleterious effect on protein structure/function; Has not been previously published as pathogenic or benign to our knowledge

NM_012469.4(PRPF6):c.1679G>A (p.Arg560Gln)

Gene: PRPF6 (pre-mRNA processing factor 6; plus strand). Cytogenetic location: 20q13.33.
Variant type: single nucleotide variant.
Coding change: c.1679G>A on transcript NM_012469.4 (MANE Select); coding-DNA position 1679, G replaced by A.
Protein change: p.Arg560Gln; replaces arginine 560 with glutamine.
Molecular consequence: missense variant.
Genome position (GRCh38, 1-based): chr20:64,022,788, G>A. VCF-style: chr20-64022788-G-A. GRCh37 (hg19) VCF-style: chr20-62654141-G-A.
Other names: short protein forms R560Q.
Identifiers: ClinVar variation 3370849 (VCV003370849.1).